The following is an entry in ClinVar:

NM_000051.4(ATM):c.9057_9058dup (p.Val3020fs)

Genes: ATM (ATM serine/threonine kinase; plus strand), C11orf65 (chromosome 11 open reading frame 65; minus strand). Cytogenetic location: 11q22.3.
Variant type: Duplication.
Coding change: c.9057_9058dup on transcript NM_000051.4 (MANE Select); coding-DNA positions 9057 to 9058, 2 bases duplicated (AG; older notation c.9057_9058dupAG).
Protein change: p.Val3020fs; shifts the reading frame from valine 3020.
Molecular consequence: frameshift variant. On other transcripts: intron variant (2).
Genome position (GRCh38, 1-based): chr11:108,365,394-108,365,395, AG duplicated; duplicating any 2 consecutive bases within chr11:108,365,393-108,365,395 gives the same sequence; the c. name uses the placement nearest the transcript's 3' end. VCF-style (leftmost placement, unchanged base first): chr11-108365392-G-GGA. GRCh37 (hg19) VCF-style: chr11-108236119-G-GGA.
Other names: c.9057_9058dup, p.Val3020fs (NM_001351834.2); c.640+20526_640+20527dup (NM_001330368.2); c.694+20526_694+20527dup (NM_001351110.2); short protein forms V3020fs.
Identifiers: ClinVar variation 1331868 (VCV001331868.4), dbSNP rs2137913928, ClinGen allele CA2573053421.

ClinVar aggregate classification (germline): Likely pathogenic (1 of 4 stars; one submission).

Conditions:
Hereditary cancer-predisposing syndrome. Also called: Tumor predisposition; Neoplastic Syndromes, Hereditary; Hereditary Cancer Syndrome; Hereditary neoplastic syndrome. Identifiers: Orphanet 140162, MedGen C0027672, MeSH D009386, MONDO:0015356.

Submission:

Color Diagnostics, LLC DBA Color Health
Classification: Likely pathogenic for Hereditary cancer-predisposing syndrome. Last evaluated: 2021-02-12. Review status: criteria provided, single submitter. Criteria: ACMG Guidelines, 2015. Collection method: clinical testing. Allele origin: germline.
Comment: This variant inserts 2 nucleotides in exon 63 of the ATM gene, creating a frameshift and premature translation stop signal in the last coding exon. While this mutant transcript is predicted to escape nonsense-mediated decay and be expressed as a truncated protein, this C-terminally truncated protein is expected to disrupt the FATC domain and affect normal ATM protein function (PMID: 19779456). To our knowledge, this variant has not been reported in individuals affected with hereditary cancer in the literature. This variant has not been identified in the general population by the Genome Aggregation Database (gnomAD). Loss of ATM function is a known mechanism of disease. Based on the available evidence, this variant is classified as Likely Pathogenic.